The following is an entry in ClinVar:

NM_033215.5(PPP1R3F):c.1448C>T (p.Thr483Ile)

Gene: PPP1R3F (protein phosphatase 1 regulatory subunit 3F; plus strand). Cytogenetic location: Xp11.23.
Variant type: single nucleotide variant.
Coding change: c.1448C>T on transcript NM_033215.5 (MANE Select); coding-DNA position 1448, C replaced by T.
Protein change: p.Thr483Ile; replaces threonine 483 with isoleucine.
Molecular consequence: missense variant.
Genome position (GRCh38, 1-based): chrX:49,286,138, C>T. VCF-style: chrX-49286138-C-T. GRCh37 (hg19) VCF-style: chrX-49142600-C-T.
Other names: c.410C>T, p.Thr137Ile (NM_001184745.2); short protein forms T137I, T483I.
Identifiers: ClinVar variation 5040314 (VCV005040314.1).

ClinVar aggregate classification (germline): Uncertain significance (1 of 4 stars; one submission).

Submission:

CeGaT Center for Human Genetics Tuebingen
Classification: Uncertain significance. Last evaluated: 2026-07-01. Review status: criteria provided, single submitter. Criteria: CeGaT Center For Human Genetics Tuebingen Variant Classification Criteria Version 2. Collection method: clinical testing. Allele origin: germline. Affected: yes. Observed: 1 variant allele.
Comment: PPP1R3F: PM2